The following is an entry in ClinVar:

ClinVar aggregate classification (germline): Uncertain significance (1 of 4 stars; one submission).

Conditions:
Kabuki syndrome. Also called: NIIKAWA-KUROKI SYNDROME; Kabuki make-up syndrome. Identifiers: Orphanet 2322, MedGen C0796004, MONDO:0016512.

Submission:

Labcorp Genetics (formerly Invitae), Labcorp
Classification: Uncertain significance for Kabuki syndrome. Last evaluated: 2022-12-08. Review status: criteria provided, single submitter. Criteria: Invitae Variant Classification Sherloc (09022015). Collection method: clinical testing. Allele origin: germline.
Comment: In summary, the available evidence is currently insufficient to determine the role of this variant in disease. Therefore, it has been classified as a Variant of Uncertain Significance. Variants that disrupt the consensus splice site are a relatively common cause of aberrant splicing (PMID: 17576681, 9536098). Algorithms developed to predict the effect of sequence changes on RNA splicing suggest that this variant may create or strengthen a splice site. This variant has not been reported in the literature in individuals affected with KMT2D-related conditions. This variant is not present in population databases (gnomAD no frequency). This sequence change falls in intron 8 of the KMT2D gene. It does not directly change the encoded amino acid sequence of the KMT2D protein. It affects a nucleotide within the consensus splice site.

Literature cited by the submitters: PubMed 17576681; PubMed 9536098.

NM_003482.4(KMT2D):c.1112+4A>C

Gene: KMT2D (lysine methyltransferase 2D; minus strand). Cytogenetic location: 12q13.12.
Variant type: single nucleotide variant.
Coding change: c.1112+4A>C on transcript NM_003482.4 (MANE Select); 4 bases into the intron after coding-DNA position 1112, A replaced by C.
Molecular consequence: intron variant.
Genome position (GRCh38, 1-based): chr12:49,052,911, T>G on the plus strand (A>C on the coding strand, the complement: KMT2D is on the minus strand). VCF-style: chr12-49052911-T-G. GRCh37 (hg19) VCF-style: chr12-49446694-T-G.
Identifiers: ClinVar variation 2788652 (VCV002788652.3), dbSNP rs2498462615, ClinGen allele CA2739272027.